The following is an entry in ClinVar:

ClinVar aggregate classification (germline): Uncertain significance (1 of 4 stars; one submission).

Allele frequency attached by ClinVar (database versions not stated): gnomAD exomes below 0.00001 and 0.00001; gnomAD 0.00001; TOPMed 0.00001.
gnomAD v4.1: 15 of 1,613,858 alleles (0.00093%); highest among the groups gnomAD compares: Non-Finnish European, 0.0013%; no homozygotes.

Submission:

Labcorp Genetics (formerly Invitae), Labcorp
Classification: Uncertain significance. Last evaluated: 2021-11-03. Review status: criteria provided, single submitter. Criteria: Invitae Variant Classification Sherloc (09022015). Collection method: clinical testing. Allele origin: germline.
Comment: This sequence change replaces glycine, which is neutral and non-polar, with arginine, which is basic and polar, at codon 746 of the RFX6 protein (p.Gly746Arg). This variant is present in population databases (no rsID available, gnomAD 0.0009%). This variant has not been reported in the literature in individuals affected with RFX6-related conditions. Algorithms developed to predict the effect of missense changes on protein structure and function (SIFT, PolyPhen-2, Align-GVGD) all suggest that this variant is likely to be tolerated. In summary, the available evidence is currently insufficient to determine the role of this variant in disease. Therefore, it has been classified as a Variant of Uncertain Significance.

NM_173560.4(RFX6):c.2236G>A (p.Gly746Arg)

Gene: RFX6 (regulatory factor X6; plus strand). Cytogenetic location: 6q22.1.
Variant type: single nucleotide variant.
Coding change: c.2236G>A on transcript NM_173560.4 (MANE Select); coding-DNA position 2236, G replaced by A.
Protein change: p.Gly746Arg; replaces glycine 746 with arginine.
Molecular consequence: missense variant.
Genome position (GRCh38, 1-based): chr6:116,927,377, G>A. VCF-style: chr6-116927377-G-A. GRCh37 (hg19) VCF-style: chr6-117248540-G-A.
Other names: short protein forms G746R.
Identifiers: ClinVar variation 1432050 (VCV001432050.3), dbSNP rs1275218846, ClinGen allele CA365436237.